The following is an entry in ClinVar:

NM_004562.3(PRKN):c.*2021G>A

Gene: PRKN (parkin RBR E3 ubiquitin protein ligase; minus strand). Cytogenetic location: 6q26.
Variant type: single nucleotide variant.
Coding change: c.*2021G>A on transcript NM_004562.3 (MANE Select); 2021 bases downstream of the stop codon, G replaced by A.
Molecular consequence: 3 prime UTR variant.
Genome position (GRCh38, 1-based): chr6:161,348,078, C>T on the plus strand (G>A on the coding strand, the complement: PRKN is on the minus strand). VCF-style: chr6-161348078-C-T. GRCh37 (hg19) VCF-style: chr6-161769110-C-T.
Other names: c.*2021G>A (NM_013987.3, NM_013988.3).
Identifiers: ClinVar variation 355990 (VCV000355990.5), dbSNP rs1122470, ClinGen allele CA10621739.

ClinVar aggregate classification (germline): Benign (1 of 4 stars; one submission).

Conditions:
Autosomal recessive juvenile Parkinson disease 2. Also called: PARKINSON DISEASE, JUVENILE, AUTOSOMAL RECESSIVE; Parkinson disease autosomal recessive, early onset; Juvenile parkinsonism; Parkinsonism, early onset, with diurnal fluctuation; PRKN-Related Early-Onset Parkinson Disease; Parkinson disease, juvenile, type 2. Identifiers: Orphanet 2828, MedGen C1868675, MONDO:0010820, OMIM 600116.

Allele frequency attached by ClinVar (database versions not stated): gnomAD exomes 0.07280; gnomAD 0.12415; TOPMed 0.13271; 1000 Genomes Project 0.15735; 1000 Genomes Project 30x 0.16193.
gnomAD v4.1: 22,015 of 186,890 alleles (12%); highest among the groups gnomAD compares: African/African-American, 29%; 2,180 homozygotes.

Submission:

Illumina Laboratory Services, Illumina
Classification: Benign for Autosomal recessive juvenile Parkinson disease 2. Last evaluated: 2018-01-13. Review status: criteria provided, single submitter. Criteria: ICSL Variant Classification Criteria 13 December 2019. Collection method: clinical testing. Allele origin: germline.
Comment: This variant was observed in the ICSL laboratory as part of a predisposition screen in an ostensibly healthy population. It had not been previously curated by ICSL or reported in the Human Gene Mutation Database (HGMD: prior to June 1st, 2018), and was therefore a candidate for classification through an automated scoring system. Utilizing variant allele frequency, disease prevalence and penetrance estimates, and inheritance mode, an automated score was calculated to assess if this variant is too frequent to cause the disease. Based on the score and internal cut-off values, a variant classified as benign is not then subjected to further curation. The score for this variant resulted in a classification of benign for this disease.